The following is an entry in ClinVar:

ClinVar aggregate classification (germline): Uncertain significance (1 of 4 stars; one submission).

gnomAD v4.1: 2 of 1,611,994 alleles (0.00012%); highest among the groups gnomAD compares: East Asian, 0.0045%; no homozygotes.

Submission:

Labcorp Genetics (formerly Invitae), Labcorp
Classification: Uncertain significance. Last evaluated: 2025-11-04. Review status: criteria provided, single submitter. Criteria: Invitae Variant Classification Sherloc (09022015). Collection method: clinical testing. Allele origin: germline.
Comment: This sequence change replaces serine, which is neutral and polar, with arginine, which is basic and polar, at codon 331 of the CEP97 protein (p.Ser331Arg). This variant is not present in population databases (gnomAD no frequency). This variant has not been reported in the literature in individuals affected with CEP97-related conditions. Invitae Evidence Modeling of protein sequence and biophysical properties (such as structural, functional, and spatial information, amino acid conservation, physicochemical variation, residue mobility, and thermodynamic stability) indicates that this missense variant is not expected to disrupt CEP97 protein function with a negative predictive value of 80%. In summary, the available evidence is currently insufficient to determine the role of this variant in disease. Therefore, it has been classified as a Variant of Uncertain Significance.

NM_024548.4(CEP97):c.991A>C (p.Ser331Arg)

Gene: CEP97 (centrosomal protein 97; plus strand). Cytogenetic location: 3q12.3.
Variant type: single nucleotide variant.
Coding change: c.991A>C on transcript NM_024548.4 (MANE Select); coding-DNA position 991, A replaced by C.
Protein change: p.Ser331Arg; replaces serine 331 with arginine.
Molecular consequence: missense variant.
Genome position (GRCh38, 1-based): chr3:101,757,160, A>C. VCF-style: chr3-101757160-A-C. GRCh37 (hg19) VCF-style: chr3-101476004-A-C.
Other names: c.991A>C, p.Ser331Arg (NM_001303401.2); c.889A>C, p.Ser297Arg (NM_001410784.1, NM_001410785.1); short protein forms S297R, S331R.
Identifiers: ClinVar variation 4744831 (VCV004744831.1).